The following is an entry in ClinVar:

NM_000492.4(CFTR):c.661G>C (p.Ala221Pro)

Gene: CFTR (CF transmembrane conductance regulator; plus strand). Cytogenetic location: 7q31.2.
Variant type: single nucleotide variant.
Coding change: c.661G>C on transcript NM_000492.4 (MANE Select); coding-DNA position 661, G replaced by C.
Protein change: p.Ala221Pro; replaces alanine 221 with proline.
Molecular consequence: missense variant.
Genome position (GRCh38, 1-based): chr7:117,535,329, G>C. VCF-style: chr7-117535329-G-C. GRCh37 (hg19) VCF-style: chr7-117175383-G-C.
Other names: short protein forms A221P.
Identifiers: ClinVar variation 2453654 (VCV002453654.2), dbSNP rs2485017120, ClinGen allele CA368976979.
Genomic context (GRCh38, chr7:117,535,329, plus strand): 5'-GTGTGGATCGCTCCTTTGCAAGTGGCACTCCTCATGGGGCTAATCTGGGAGTTGTTACAG[G>C]CGTCTGCCTTCTGTGGACTTGGTTTCCTGATAGTCCTTGCCCTTTTTCAGGCTGGGCTAG-3'
Protein context (NP_000483.3, residues 211-231): LMGLIWELLQ[Ala221Pro]SAFCGLGFLI

ClinVar aggregate classification (germline): Uncertain significance (1 of 4 stars; one submission).

Conditions:
Cystic fibrosis (CF). Also called: MUCOVISCIDOSIS. Identifiers: Orphanet 586, MedGen C0010674, MONDO:0009061, OMIM 219700. Disease mechanism: loss of function.

Submission:

Ambry Genetics
Classification: Uncertain significance for Cystic fibrosis. Last evaluated: 2023-02-04. Review status: criteria provided, single submitter. Criteria: Ambry Variant Classification Scheme 2023. Collection method: clinical testing. Allele origin: germline.
Comment: The p.A221P variant (also known as c.661G>C), located in coding exon 6 of the CFTR gene, results from a G to C substitution at nucleotide position 661. The alanine at codon 221 is replaced by proline, an amino acid with highly similar properties. This amino acid position is conserved. In addition, the in silico prediction for this alteration is inconclusive. Since supporting evidence is limited at this time, the clinical significance of this alteration remains unclear.